The following is an entry in ClinVar:

NM_001372.4(DNAH9):c.3744-4G>A

Gene: DNAH9 (dynein axonemal heavy chain 9; plus strand). Cytogenetic location: 17p12.
Variant type: single nucleotide variant.
Coding change: c.3744-4G>A on transcript NM_001372.4 (MANE Select); 4 bases into the intron before coding-DNA position 3744, G replaced by A.
Molecular consequence: intron variant.
Genome position (GRCh38, 1-based): chr17:11,689,562, G>A. VCF-style: chr17-11689562-G-A. GRCh37 (hg19) VCF-style: chr17-11592879-G-A.
Identifiers: ClinVar variation 2647486 (VCV002647486.24), dbSNP rs760423221, ClinGen allele CA8395547.

ClinVar aggregate classification (germline): Uncertain significance (1 of 4 stars; one submission).

Allele frequency attached by ClinVar (database versions not stated): gnomAD exomes below 0.00001; ExAC 0.00001.
gnomAD v4.1: 4 of 1,607,180 alleles (0.00025%); highest among the groups gnomAD compares: East Asian, 0.0045%; no homozygotes.

Submission:

CeGaT Center for Human Genetics Tuebingen
Classification: Uncertain significance. Last evaluated: 2023-07-01. Review status: criteria provided, single submitter. Criteria: CeGaT Center For Human Genetics Tuebingen Variant Classification Criteria Version 2. Collection method: clinical testing. Allele origin: germline. Affected: yes. Observed: 1 variant allele.
Comment: DNAH9: PM2:Supporting, BP4